The following is an entry in ClinVar:

ClinVar aggregate classification (germline): Uncertain significance (1 of 4 stars; one submission).

Allele frequency attached by ClinVar (database versions not stated): gnomAD exomes below 0.00001; TOPMed below 0.00001; gnomAD 0.00001.
gnomAD v4.1: 3 of 1,591,674 alleles (0.00019%); highest among the groups gnomAD compares: Non-Finnish European, 0.00026%; no homozygotes.

Submission:

Labcorp Genetics (formerly Invitae), Labcorp
Classification: Uncertain significance. Last evaluated: 2023-10-18. Review status: criteria provided, single submitter. Criteria: Invitae Variant Classification Sherloc (09022015). Collection method: clinical testing. Allele origin: germline.
Comment: This sequence change replaces valine, which is neutral and non-polar, with methionine, which is neutral and non-polar, at codon 670 of the SEC63 protein (p.Val670Met). This variant is not present in population databases (gnomAD no frequency). This variant has not been reported in the literature in individuals affected with SEC63-related conditions. An algorithm developed to predict the effect of missense changes on protein structure and function (PolyPhen-2) suggests that this variant is likely to be disruptive. In summary, the available evidence is currently insufficient to determine the role of this variant in disease. Therefore, it has been classified as a Variant of Uncertain Significance.

NM_007214.5(SEC63):c.2008G>A (p.Val670Met)

Gene: SEC63 (SEC63 protein translocation regulator; minus strand). Cytogenetic location: 6q21.
Variant type: single nucleotide variant.
Coding change: c.2008G>A on transcript NM_007214.5 (MANE Select); coding-DNA position 2008, G replaced by A.
Protein change: p.Val670Met; replaces valine 670 with methionine.
Molecular consequence: missense variant.
Genome position (GRCh38, 1-based): chr6:107,876,590, C>T on the plus strand (G>A on the coding strand, the complement: SEC63 is on the minus strand). VCF-style: chr6-107876590-C-T. GRCh37 (hg19) VCF-style: chr6-108197794-C-T.
Other names: short protein forms V670M.
Identifiers: ClinVar variation 2878862 (VCV002878862.3), dbSNP rs1282980077, ClinGen allele CA365329111.